The following is an entry in ClinVar:

NM_014844.5(TECPR2):c.1861T>G (p.Ser621Ala)

Gene: TECPR2 (tectonin beta-propeller repeat containing 2; plus strand). Cytogenetic location: 14q32.31.
Variant type: single nucleotide variant.
Coding change: c.1861T>G on transcript NM_014844.5 (MANE Select); coding-DNA position 1861, T replaced by G.
Protein change: p.Ser621Ala; replaces serine 621 with alanine.
Molecular consequence: missense variant.
Genome position (GRCh38, 1-based): chr14:102,434,678, T>G. VCF-style: chr14-102434678-T-G. GRCh37 (hg19) VCF-style: chr14-102901015-T-G.
Other names: c.1861T>G, p.Ser621Ala (NM_001172631.3); short protein forms S621A.
Identifiers: ClinVar variation 373216 (VCV000373216.4), dbSNP rs917201729, ClinGen allele CA16042926.

ClinVar aggregate classification (germline): Uncertain significance. Review status: criteria provided, multiple submitters, no conflicts (2 of 4 stars). 3 submissions from 3 submitters: Uncertain significance (2). 1 of the submissions does not count toward it. Last evaluated 2023-05-31.

Conditions:
Inborn genetic diseases. Identifiers: MedGen C0950123, MeSH D030342.
Hereditary spastic paraplegia 49 (HSAN9). Also called: Spastic paraplegia 49, autosomal recessive; NEUROPATHY, HEREDITARY SENSORY AND AUTONOMIC, TYPE IX, WITH DEVELOPMENTAL DELAY; TECPR2-Related Hereditary Sensory and Autonomic Neuropathy with Intellectual Disability. Identifiers: Orphanet 320385, MedGen C5190860, MONDO:0014016, OMIM 615031.

Allele frequency attached by ClinVar (database versions not stated): gnomAD 0.00001; gnomAD exomes 0.00001; TOPMed 0.00001.

Submissions (3):

Ambry Genetics
Classification: Uncertain significance for Inborn genetic diseases. Last evaluated: 2023-05-31. Review status: criteria provided, single submitter. Criteria: Ambry Variant Classification Scheme 2023. Collection method: clinical testing. Allele origin: germline.

GeneDx
Classification: Uncertain significance. Last evaluated: 2016-11-11. Review status: criteria provided, single submitter. Criteria: GeneDx Variant Classification (06012015). Collection method: clinical testing. Allele origin: germline. Affected: yes.
Comment: A variant of uncertain significance has been identified in the TECPR2 gene. The S621A variant has not been published as a pathogenic variant, nor has it been reported as a benign variant to our knowledge. It was not observed in approximately 6,500 individuals of European and African American ancestry in the NHLBI Exome Sequencing Project, indicating it is not a common benign variant in these populations. The S621A variant is a non-conservative amino acid substitution, which is likely to impact secondary protein structure as these residues differ in polarity, charge, size and/or other properties. However, this substitution occurs at a position that is not conserved and in silico analysis predicts this variant likely does not alter the protein structure/function. Therefore, based on the currently available information, it is unclear whether this variant is a pathogenic variant or a rare benign variant.

Natera, Inc.
Classification: Uncertain significance for Autosomal recessive spastic paraplegia type 49. Last evaluated: 2020-04-16. Review status: no assertion criteria provided. Collection method: clinical testing. Allele origin: germline. Not counted in ClinVar's aggregate classification.